The following is an entry in ClinVar:

ClinVar aggregate classification (germline): Benign/Likely benign. Review status: criteria provided, multiple submitters, no conflicts (2 of 4 stars). 7 submissions from 7 submitters: Benign (1); Likely benign (5). 1 of the submissions does not count toward it. Last evaluated 2026-07-01.

Conditions:
RNASET2-related disorder. Also called: RNASET2-related condition.
Cystic leukoencephalopathy without megalencephaly. Identifiers: Orphanet 85136, MedGen C2751843, MONDO:0013058, OMIM 612951.

Allele frequency attached by ClinVar (database versions not stated): 1000 Genomes Project 0.00140; 1000 Genomes Project 30x 0.00172; ESP Exome Variant Server 0.00546.
gnomAD v4.1: 8,547 of 1,614,092 alleles (0.53%); highest among the groups gnomAD compares: Admixed American, 0.68%; 27 homozygotes.

Submissions (7):

CeGaT Center for Human Genetics Tuebingen
Classification: Likely benign. Last evaluated: 2026-07-01. Review status: criteria provided, single submitter. Criteria: CeGaT Center For Human Genetics Tuebingen Variant Classification Criteria Version 2. Collection method: clinical testing. Allele origin: germline. Affected: yes. Observed: 11 variant alleles.
Comment: RNASET2: BP4, BS2

Labcorp Genetics (formerly Invitae), Labcorp
Classification: Benign. Last evaluated: 2026-01-26. Review status: criteria provided, single submitter. Criteria: Invitae Variant Classification Sherloc (09022015). Collection method: clinical testing. Allele origin: germline.

Blueprint Genetics
Classification: Likely benign. Last evaluated: 2024-11-22. Review status: criteria provided, single submitter. Criteria: ACMG Guidelines, 2015. Collection method: clinical testing. Allele origin: germline.

Illumina Laboratory Services, Illumina
Classification: Likely benign for Cystic leukoencephalopathy without megalencephaly. Last evaluated: 2018-01-12. Review status: criteria provided, single submitter. Criteria: ICSL Variant Classification Criteria 13 December 2019. Collection method: clinical testing. Allele origin: germline.
Comment: This variant was observed in the ICSL laboratory as part of a predisposition screen in an ostensibly healthy population. It had not been previously curated by ICSL or reported in the Human Gene Mutation Database (HGMD: prior to June 1st, 2018), and was therefore a candidate for classification through an automated scoring system. Utilizing variant allele frequency, disease prevalence and penetrance estimates, and inheritance mode, an automated score was calculated to assess if this variant is too frequent to cause the disease. Based on the score and internal cut-off values, a variant classified as likely benign is not then subjected to further curation. The score for this variant resulted in a classification of likely benign for this disease.

Center for Pediatric Genomic Medicine, Children's Mercy Hospital and Clinics
Classification: Likely benign. Last evaluated: 2016-10-13. Review status: criteria provided, single submitter. Criteria: ACMG Guidelines, 2015. Collection method: clinical testing. Allele origin: germline.
ClinVar note: Converted during submission from Likely Benign to Likely benign.

Breakthrough Genomics
Classification: Likely benign. Review status: criteria provided, single submitter. Criteria: ACMG Guidelines, 2015. Collection method: not provided. Allele origin: germline. Inheritance: Autosomal recessive inheritance. Affected: yes.

PreventionGenetics, part of Exact Sciences
Classification: Benign for RNASET2-related condition. Last evaluated: 2019-04-15. Review status: no assertion criteria provided. Collection method: clinical testing. Allele origin: germline. Not counted in ClinVar's aggregate classification.
Comment: This variant is classified as benign based on ACMG/AMP sequence variant interpretation guidelines (Richards et al. 2015 PMID: 25741868, with internal and published modifications).

NM_003730.6(RNASET2):c.643G>A (p.Glu215Lys)

Gene: RNASET2 (ribonuclease T2; minus strand). Cytogenetic location: 6q27.
Variant type: single nucleotide variant.
Coding change: c.643G>A on transcript NM_003730.6 (MANE Select); coding-DNA position 643, G replaced by A.
Protein change: p.Glu215Lys; replaces glutamic acid 215 with lysine.
Molecular consequence: missense variant.
Genome position (GRCh38, 1-based): chr6:166,929,716, C>T on the plus strand (G>A on the coding strand, the complement: RNASET2 is on the minus strand). VCF-style: chr6-166929716-C-T. GRCh37 (hg19) VCF-style: chr6-167343204-C-T.
Other names: short protein forms E215K.
Identifiers: ClinVar variation 356030 (VCV000356030.43), dbSNP rs41269593, ClinGen allele CA4094831.